The following is an entry in ClinVar:

ClinVar aggregate classification (germline): Benign. Review status: criteria provided, multiple submitters, no conflicts (2 of 4 stars). 2 submissions from 2 submitters: Benign (2). Last evaluated 2018-06-14.

Allele frequency attached by ClinVar (database versions not stated): ExAC 0.00708.

Submissions (2):

GeneDx
Classification: Benign. Last evaluated: 2018-06-14. Review status: criteria provided, single submitter. Criteria: GeneDx Variant Classification (06012015). Collection method: clinical testing. Allele origin: germline. Affected: yes.
Comment: This variant is considered likely benign or benign based on one or more of the following criteria: it is a conservative change, it occurs at a poorly conserved position in the protein, it is predicted to be benign by multiple in silico algorithms, and/or has population frequency not consistent with disease.

Breakthrough Genomics
Classification: Benign. Review status: criteria provided, single submitter. Criteria: ACMG Guidelines, 2015. Collection method: not provided. Allele origin: germline. Inheritance: Autosomal dominant inheritance. Affected: yes.

NM_004522.3(KIF5C):c.-36A>C

Gene: KIF5C (kinesin family member 5C; plus strand). Cytogenetic location: 2q23.1.
Variant type: single nucleotide variant.
Coding change: c.-36A>C on transcript NM_004522.3 (MANE Select); 36 bases upstream of the start codon, A replaced by C.
Molecular consequence: 5 prime UTR variant.
Genome position (GRCh38, 1-based): chr2:148,875,582, A>C. VCF-style: chr2-148875582-A-C. GRCh37 (hg19) VCF-style: chr2-149633151-A-C.
Identifiers: ClinVar variation 683963 (VCV000683963.2), dbSNP rs762542110, ClinGen allele CA1901125.